The following is an entry in ClinVar:

ClinVar aggregate classification (germline): Pathogenic (1 of 4 stars; one submission).

Conditions:
Familial adenomatous polyposis 1 (FAP1). Also called: POLYPOSIS, ADENOMATOUS INTESTINAL; FAMILIAL ADENOMATOUS POLYPOSIS 1, ATTENUATED. Identifiers: MedGen C2713442, MONDO:0021056, OMIM 175100. Disease mechanism: loss of function.

Submission:

Myriad Genetics, Inc.
Classification: Pathogenic for Familial adenomatous polyposis 1. Last evaluated: 2023-05-02. Review status: criteria provided, single submitter. Criteria: Myriad Autosomal Dominant, Autosomal Recessive and X-Linked Classification Criteria (2023). Collection method: clinical testing. Allele origin: unknown.
Comment: This variant is considered pathogenic. This variant creates a frameshift predicted to result in premature protein truncation.

NM_000038.6(APC):c.1690del (p.Arg564fs)

Gene: APC (APC regulator of Wnt signaling pathway; plus strand). Cytogenetic location: 5q22.2.
Variant type: Deletion.
Coding change: c.1690del on transcript NM_000038.6 (MANE Select); coding-DNA position 1690, one base deleted (C; older notation c.1690delC).
Protein change: p.Arg564fs; shifts the reading frame from arginine 564.
Molecular consequence: frameshift variant.
Genome position (GRCh38, 1-based): chr5:112,828,919, C deleted. VCF-style (leftmost placement, unchanged base first): chr5-112828918-GC-G. GRCh37 (hg19) VCF-style: chr5-112164615-GC-G.
Other names: c.1690del, p.Arg564fs (NM_001127510.3, NM_001354895.2, NM_001407450.1); c.1636del, p.Arg546fs (NM_001127511.3); c.1744del, p.Arg582fs (NM_001354896.2, NM_001407447.1, NM_001407448.1 and 1 more transcripts); c.1720del, p.Arg574fs (NM_001354897.2); c.1615del, p.Arg539fs (NM_001354898.2); c.1606del, p.Arg536fs (NM_001354899.2); c.1567del, p.Arg523fs (NM_001354900.2); c.1513del, p.Arg505fs (NM_001354901.2, NM_001407453.1); and 11 more; short protein forms R180fs, R281fs, R404fs, R435fs, R438fs, R463fs, R473fs, R481fs.
Identifiers: ClinVar variation 2583543 (VCV002583543.2), dbSNP rs2533244469, ClinGen allele CA2582341397.